The following is an entry in ClinVar:

NM_000492.4(CFTR):c.3794G>T (p.Gly1265Val)

Genes: CFTR (CF transmembrane conductance regulator; plus strand), CFTR-AS2 (CFTR antisense RNA 2; minus strand). Cytogenetic location: 7q31.2.
Variant type: single nucleotide variant.
Coding change: c.3794G>T on transcript NM_000492.4 (MANE Select); coding-DNA position 3794, G replaced by T.
Protein change: p.Gly1265Val; replaces glycine 1265 with valine.
Molecular consequence: missense variant.
Genome position (GRCh38, 1-based): chr7:117,642,514, G>T. VCF-style: chr7-117642514-G-T. GRCh37 (hg19) VCF-style: chr7-117282568-G-T.
Other names: short protein forms G1265V.
Identifiers: ClinVar variation 502505 (VCV000502505.14), dbSNP rs1554395370, ClinGen allele CA368974979.

ClinVar aggregate classification (germline): Uncertain significance. Review status: criteria provided, multiple submitters, no conflicts (2 of 4 stars). 7 submissions from 7 submitters: Uncertain significance (6). 1 of the submissions does not count toward it. Last evaluated 2024-03-27.

Conditions:
Cystic fibrosis (CF). Also called: MUCOVISCIDOSIS. Identifiers: Orphanet 586, MedGen C0010674, MONDO:0009061, OMIM 219700. Disease mechanism: loss of function.

Submissions (7):

Women's Health and Genetics/Laboratory Corporation of America, LabCorp
Classification: Uncertain significance. Last evaluated: 2024-03-27. Review status: criteria provided, single submitter. Criteria: LabCorp Variant Classification Summary - May 2015. Collection method: clinical testing. Allele origin: germline.
Comment: Variant summary: CFTR c.3794G>T (p.Gly1265Val) results in a non-conservative amino acid change located in the 2nd ATP-binding domain (IPR003439) of the encoded protein sequence. Five of five in-silico tools predict a damaging effect of the variant on protein function. The variant was absent in 251024 control chromosomes (gnomAD). The available data on variant occurrences in the general population are insufficient to allow any conclusion about variant significance. c.3794G>T has been reported in the literature in cohorts of individuals affected with Cystic Fibrosis (e.g. Schrijver_2016, Da Silva Filho_2020, Raraigh_2022), however no geno- and phenotype details were specified in these patients. These reports do not provide unequivocal conclusions about association of the variant with Cystic Fibrosis. At least one publication reported experimental evidence evaluating an impact on protein function, and demonstrated significantly reduced expression levels and Cl- channel function for the variant protein (Bihler_2024). The following publications have been ascertained in the context of this evaluation (PMID: 26708955, 34782259, 32819855, 38388235). ClinVar contains an entry for this variant (Variation ID: 502505). Based on the evidence outlined above, the variant was classified as VUS-possibly pathogenic.

Labcorp Genetics (formerly Invitae), Labcorp
Classification: Uncertain significance for Cystic fibrosis. Last evaluated: 2022-10-18. Review status: criteria provided, single submitter. Criteria: Invitae Variant Classification Sherloc (09022015). Collection method: clinical testing. Allele origin: germline.
Comment: This sequence change replaces glycine, which is neutral and non-polar, with valine, which is neutral and non-polar, at codon 1265 of the CFTR protein (p.Gly1265Val). This variant is not present in population databases (gnomAD no frequency). This missense change has been observed in individual(s) with CFTR-related conditions (PMID: 26708955). ClinVar contains an entry for this variant (Variation ID: 502505). Advanced modeling of protein sequence and biophysical properties (such as structural, functional, and spatial information, amino acid conservation, physicochemical variation, residue mobility, and thermodynamic stability) performed at Invitae indicates that this missense variant is expected to disrupt CFTR protein function. In summary, the available evidence is currently insufficient to determine the role of this variant in disease. Therefore, it has been classified as a Variant of Uncertain Significance.

Genome-Nilou Lab
Classification: Uncertain significance for Cystic fibrosis. Last evaluated: 2021-09-05. Review status: criteria provided, single submitter. Criteria: ACMG Guidelines, 2015. Collection method: clinical testing. Allele origin: germline. Affected: no.

Johns Hopkins Genomics, Johns Hopkins University
Classification: Uncertain significance for Cystic fibrosis. Last evaluated: 2020-05-22. Review status: criteria provided, single submitter. Criteria: ACMG Guidelines, 2015. Collection method: clinical testing. Allele origin: germline.
Comment: CFTR c.3794G>T has been previously identified in individuals with features of cystic fibrosis and has been reported in ClinVar. It is absent from a large population dataset. Three bioinformatic tools queried predict that this substitution would probably be damaging, and the glycine residue at this position is evolutionarily conserved across all species assessed. Due to lack of functional evidence that this variant is deleterious, we consider its the clinical significance to be uncertain at this time.

Mendelics
Classification: Uncertain significance for Cystic fibrosis. Last evaluated: 2018-11-05. Review status: criteria provided, single submitter. Criteria: Mendelics Assertion Criteria 2017. Collection method: clinical testing. Allele origin: unknown. Affected: yes.

Eurofins Ntd Llc (ga)
Classification: Uncertain significance. Last evaluated: 2017-06-08. Review status: criteria provided, single submitter. Criteria: EGL Classification Definitions 2015. Collection method: clinical testing. Allele origin: germline. Observed: 1 variant allele, 1 heterozygote.

Counsyl
Classification: Uncertain significance for Cystic fibrosis. Last evaluated: 2017-01-04. Review status: no assertion criteria provided. Collection method: clinical testing. Allele origin: unknown. Not counted in ClinVar's aggregate classification.

Literature cited by the submitters: PubMed 26708955 (cited by 4 submitters); PubMed 32819855 (cited by Women's Health and Genetics/Laboratory Corporation of America, LabCorp); PubMed 34782259 (cited by Women's Health and Genetics/Laboratory Corporation of America, LabCorp); PubMed 38388235 (cited by Women's Health and Genetics/Laboratory Corporation of America, LabCorp).